The following is an entry in ClinVar:

NM_001267550.2(TTN):c.95567G>A (p.Arg31856His)

Genes: TTN (titin; minus strand), TTN-AS1 (TTN antisense RNA 1; plus strand). Cytogenetic location: 2q31.2.
Variant type: single nucleotide variant.
Coding change: c.95567G>A on transcript NM_001267550.2 (MANE Select); coding-DNA position 95567, G replaced by A.
Protein change: p.Arg31856His; replaces arginine 31856 with histidine.
Molecular consequence: missense variant.
Genome position (GRCh38, 1-based): chr2:178,545,543, C>T on the plus strand (G>A on the coding strand, the complement: TTN is on the minus strand). VCF-style: chr2-178545543-C-T. GRCh37 (hg19) VCF-style: chr2-179410270-C-T.
Other names: c.87863G>A, p.Arg29288His (NM_133378.4); c.90644G>A, p.Arg30215His (NM_001256850.1); c.68372G>A, p.Arg22791His (NM_003319.4); c.68747G>A, p.Arg22916His (NM_133432.3); c.68948G>A, p.Arg22983His (NM_133437.4); short protein forms R29288H, R31856H, R22791H, R30215H, R22916H, R22983H.
Identifiers: ClinVar variation 229545 (VCV000229545.5), dbSNP rs876658093, ClinGen allele CA10576459.

ClinVar aggregate classification (germline): Uncertain significance (1 of 4 stars; one submission).

Allele frequency attached by ClinVar (database versions not stated): gnomAD exomes 0.00001.
gnomAD v4.1: 21 of 1,613,740 alleles (0.0013%); highest among the groups gnomAD compares: East Asian, 0.0022%; no homozygotes.

Submission:

Laboratory for Molecular Medicine, Mass General Brigham Personalized Medicine
Classification: Uncertain significance. Last evaluated: 2015-08-08. Review status: criteria provided, single submitter. Criteria: LMM Criteria. Collection method: clinical testing. Allele origin: germline. Observed: 1 variant allele.
Comment: The p.Arg29288His variant in TTN has not been previously reported in individuals with cardiomyopathy and was absent from large population studies. Computational prediction tools and conservation analysis suggest that this variant may impact the protein, though this information is not predictive enough to determine path ogenicity. In summary, the clinical significance of the p.Arg29288His variant is uncertain.